The following continues an entry in ClinVar:

NM_000059.4(BRCA2):c.5909C>A (p.Ser1970Ter)

Gene: BRCA2. ClinVar aggregate classification (germline): Pathogenic. Pathogenic (1).

Submissions 10 to 25 of 25:

Women's Health and Genetics/Laboratory Corporation of America, LabCorp
Classification: Pathogenic for Hereditary breast ovarian cancer syndrome. Last evaluated: 2023-08-11. Review status: criteria provided, single submitter. Criteria: LabCorp Variant Classification Summary - May 2015. Collection method: clinical testing. Allele origin: germline. Not counted in ClinVar's aggregate classification.
Comment: Variant summary: BRCA2 c.5909C>A (p.Ser1970X) results in a premature termination codon, predicted to cause a truncation of the encoded protein or absence of the protein due to nonsense mediated decay, which are commonly known mechanisms for disease. The variant was absent in 250902 control chromosomes. c.5909C>A has been reported in the literature in multiple individuals affected with Hereditary Breast And Ovarian Cancer Syndrome. These data indicate that the variant is very likely to be associated with disease. The following publications have been ascertained in the context of this evaluation (PMID: 10359546, 8988179, 20736950, 11844822, 14672397, 24556621, 23754601). 13 submitters have cited clinical-significance assessments for this variant to ClinVar after 2014. All submitters classified the variant as pathogenic. Based on the evidence outlined above, the variant was classified as pathogenic.

Baylor Genetics
Classification: Pathogenic for Familial cancer of breast. Last evaluated: 2023-06-20. Review status: criteria provided, single submitter. Criteria: ACMG Guidelines, 2015. Collection method: clinical testing. Allele origin: unknown. Not counted in ClinVar's aggregate classification.

Broad Center for Mendelian Genomics, Broad Institute of MIT and Harvard
Classification: Pathogenic for Breast-ovarian cancer, familial, susceptibility to, 2. Last evaluated: 2020-01-29. Review status: criteria provided, single submitter. Criteria: ACMG Guidelines, 2015. Collection method: curation. Allele origin: germline. Not counted in ClinVar's aggregate classification.
Comment: The p.Ser1970Ter variant in BRCA2 has been reported in at least 11 individuals with breast or ovarian cancer, including at least 6 individuals with a family history of that cancer (PMID: 14672397, 11844822, 10359546, 27469594, 25682074, 23754601, 27153395, 8988179, 24728189), at least 2 male individuals with prostate cancer (PMID: 20736950, 24556621), and 2 individuals with a family history of cancer (PMID: 19329713), and was absent from large population studies. This variant has also been reported pathogenic in ClinVar (Variation ID: 38007). This nonsense variant leads to a premature termination codon at position 1970, which is predicted to lead to a truncated or absent protein. Heterozygous loss of function of the BRCA2 gene is an established disease mechanism in hereditary susceptibility to breast and ovarian cancer. In summary, this variant meets criteria to be classified as pathogenic for hereditary susceptibility to breast and ovarian cancer in an autosomal dominant manner based on the predicted impact of the variant, multiple occurrences of the variant in affected individuals, and absence in the general population. ACMG/AMP Criteria applied: PVS1, PS4, PM2 (Richards 2015).

Laboratory for Molecular Medicine, Mass General Brigham Personalized Medicine
Classification: Pathogenic for Hereditary breast ovarian cancer syndrome. Last evaluated: 2019-10-14. Review status: criteria provided, single submitter. Criteria: ACMG Guidelines, 2015. Collection method: clinical testing. Allele origin: germline. Not counted in ClinVar's aggregate classification.
Comment: The p.Ser1970X (c.5682C>A) variant in BRCA2 has been reported in at least 12 individuals with BRCA2-related cancers (Gayther 1997, Edwards 2010, Leongamornlert 2014, Labidi-Galy 2018, BIC database) and was absent from large population studies. This nonsense variant is predicted to lead to a premature termination codon at position 1970, which is predicted to lead to a truncated or absent protein. Loss of function of the BRCA2 gene is an established disease mechanism in autosomal dominant hereditary breast and ovarian cancer syndrome (HBOC). Additionally, this variant was classified as Pathogenic on Apr 22, 2016 by the ClinGen-approved ENIGMA expert panel (Variation ID: 38007). In summary, this variant meets criteria to be classified as pathogenic for autosomal dominant HBOC. ACMG/AMP Criteria applied: PVS1, PM2, PS4_Moderate.

Human Genome Sequencing Center Clinical Lab, Baylor College of Medicine
Classification: Pathogenic for Familial breast-ovarian cancer 2. Last evaluated: 2019-02-21. Review status: criteria provided, single submitter. Criteria: ACMG Guidelines, 2015. Collection method: clinical testing. Allele origin: germline. Not counted in ClinVar's aggregate classification.
Comment: This variant in the BRCA2 gene is predicted to result in an early stop codon, and loss of function variants are a known pathogenic mechanism of this gene. This variant has been observed in at least three HBOC families (PMID 8988179, 11844822 and 24556621). Additionally, it has been seen in multiple ovarian cancer cases (PMID 24728189), early onset breast cancer (PMID 27469594), and triple negative breast cancer (PMID 25682074). This variant has not been observed in the population database gnomAD, and was absent from specific study controls (PMID 24728189). Therefore, the c.5909C>A (p.Ser1970*) variant in the BRCA2 gene is classified as pathogenic.

Department of Pathology and Molecular Medicine, Queen's University
Classification: Pathogenic for Hereditary breast ovarian cancer syndrome. Last evaluated: 2017-04-20. Review status: criteria provided, single submitter. Criteria: ACMG Guidelines, 2015. Collection method: clinical testing. Allele origin: germline. Study: The Canadian Open Genetics Repository (COGR). Not counted in ClinVar's aggregate classification.

Clinical Genetics and Genomics, Karolinska University Hospital
Classification: Pathogenic. Last evaluated: 2017-01-13. Review status: criteria provided, single submitter. Criteria: ACMG Guidelines, 2015. Collection method: clinical testing. Allele origin: germline. Affected: yes. Observed: 1 variant allele. Not counted in ClinVar's aggregate classification.

Quest Diagnostics Nichols Institute San Juan Capistrano
Classification: Pathogenic. Last evaluated: 2016-04-23. Review status: criteria provided, single submitter. Criteria: Quest Diagnostics criteria. Collection method: clinical testing. Allele origin: germline. Not counted in ClinVar's aggregate classification.

Consortium of Investigators of Modifiers of BRCA1/2 (CIMBA), c/o University of Cambridge
Classification: Pathogenic for Breast-ovarian cancer, familial, susceptibility to, 2. Last evaluated: 2015-10-02. Review status: criteria provided, single submitter. Criteria: CIMBA Mutation Classification guidelines May 2016. Collection method: clinical testing. Allele origin: germline. Not counted in ClinVar's aggregate classification.

Counsyl
Classification: Pathogenic for Breast-ovarian cancer, familial, susceptibility to, 2. Last evaluated: 2018-02-27. Review status: no assertion criteria provided. Collection method: clinical testing. Allele origin: unknown. Not counted in ClinVar's aggregate classification.

Institute of Human Genetics, Medical University Innsbruck
Classification: Pathogenic for Breast-ovarian cancer, familial 2. Last evaluated: 2015-02-11. Review status: no assertion criteria provided. Criteria: clinical testing. Collection method: clinical testing. Allele origin: germline. Affected: yes. Study: BRCA-Tyrol. Not counted in ClinVar's aggregate classification.
Comment: BRCA-mutation spectrum Western Austria

Research Molecular Genetics Laboratory, Women's College Hospital, University of Toronto
Classification: Pathogenic for Hereditary breast ovarian cancer syndrome. Last evaluated: 2014-01-31. Review status: no assertion criteria provided. Collection method: research. Allele origin: germline. Affected: yes. Study: The Canadian Open Genetics Repository (COGR). Not counted in ClinVar's aggregate classification.

Sharing Clinical Reports Project (SCRP)
Classification: Pathogenic for Breast-ovarian cancer, familial 2. Last evaluated: 2012-01-10. Review status: no assertion criteria provided. Collection method: clinical testing. Allele origin: germline. Not counted in ClinVar's aggregate classification.

Breast Cancer Information Core (BIC) (BRCA2)
Classification: Pathogenic for Breast-ovarian cancer, familial 2. Last evaluated: 2002-05-29. Review status: no assertion criteria provided. Collection method: clinical testing. Allele origin: germline. Affected: yes. Observed: 11 variant alleles. Not counted in ClinVar's aggregate classification.

Department of Pathology and Laboratory Medicine, Sinai Health System
Classification: Pathogenic for Malignant tumor of breast. Review status: no assertion criteria provided. Collection method: clinical testing. Allele origin: unknown. Affected: yes. Study: The Canadian Open Genetics Repository (COGR). Not counted in ClinVar's aggregate classification.
Comment: The BRCA2 p.Ser1970X variant was identified in 7 of 3852 proband chromosomes (frequency: 0.0018) from individuals or families with breast, ovarian and prostate cancer (Al-Mulla_2008_19329713 , Gayther_1997_8988179, Leongamornlert_2014_24556621, Lubinski_2004_15131399 , Shih_2002_11844822 , Wong-Brown_2015_25682074). The variant was also identified in dbSNP (ID: rs80358824) as â€šÃ„ÃºWith Pathogenic alleleâ€šÃ„Ã¹, ClinVar (as pathogenic, reviewed by expert panel), Clinvitae (5x as pathogenic), GeneInsight-COGR (as pathogenic), LOVD 3.0 (3x as pathogenic), UMD-LSDB (56x as causal), and ARUP Laboratories (as "definitely pathogenic"). The variant was not identified in Cosmic, MutDB, BIC Database, Zhejiang Colon Cancer Database. The variant was not identified in the following control databases: the 1000 Genomes Project, the NHLBI GO Exome Sequencing Project, the Exome Aggregation Consortium (August 8th 2016), or the Genome Aggregation Database (Feb 27, 2017). In addition, a UK survival study of 2 groups of men with prostate cancer diagnosed at similar ages, showed that men harbouring deleterious germline BRCA2 mutations had a poorer survival outcome than those who did not carry BRCA2 mutations, with 4.8 vs 8.5 years survival rate (Edwards_2010_20736950). The p.Ser1970X variant leads to a premature stop codon at position 1970 which is predicted to lead to a truncated or absent protein and loss of function. Loss of function variants of the BRCA2 gene are an established mechanism of disease in hereditary breast and ovarian cancer and is the type of variant expected to cause the disorder. In summary, based on the above information this variant meets our laboratoryâ€šÃ„Ã´s criteria to be classified as pathogenic.

Foulkes Cancer Genetics LDI, Lady Davis Institute for Medical Research
Classification: Pathogenic for Breast and/or ovarian cancer. Review status: no assertion criteria provided. Collection method: clinical testing. Allele origin: germline. Study: The Canadian Open Genetics Repository (COGR). Not counted in ClinVar's aggregate classification.

Literature cited by the submitters: PubMed 20104584 (cited by Labcorp Genetics (formerly Invitae), Labcorp); PubMed 8988179 (cited by 7 submitters); PubMed 20736950 (cited by 4 submitters); PubMed 21120943 (cited by 4 submitters); PubMed 24556621 (cited by 7 submitters); PubMed 24728189 (cited by 5 submitters); PubMed 25682074 (cited by 5 submitters); PubMed 27225819 (cited by Labcorp Genetics (formerly Invitae), Labcorp); PubMed 27469594 (cited by 6 submitters); PubMed 10359546 (cited by 5 submitters); PubMed 11938448 (cited by Ambry Genetics); PubMed 19329713 (cited by 4 submitters); PubMed 27153395 (cited by 4 submitters); PubMed 29084914 (cited by Ambry Genetics and Laboratory for Molecular Medicine, Mass General Brigham Personalized Medicine); PubMed 29371908 (cited by Ambry Genetics); PubMed 29446198 (cited by Ambry Genetics); PubMed 30883245 (cited by Ambry Genetics); PubMed 31090900 (cited by Ambry Genetics); PubMed 11844822 (cited by 4 submitters); PubMed 14672397 (cited by 4 submitters); PubMed 23754601 (cited by Women's Health and Genetics/Laboratory Corporation of America, LabCorp and Broad Center for Mendelian Genomics, Broad Institute of MIT and Harvard); PubMed 26295337 (cited by Quest Diagnostics Nichols Institute San Juan Capistrano).